The following is an entry in ClinVar:

NM_001289125.3(IFNAR2):c.199A>G (p.Thr67Ala)

Genes: IFNAR2 (interferon alpha and beta receptor subunit 2; plus strand), IFNAR2-IL10RB (IFNAR2-IL10RB readthrough; plus strand). Cytogenetic location: 21q22.11.
Variant type: single nucleotide variant.
Coding change: c.199A>G on transcript NM_001289125.3 (MANE Select); coding-DNA position 199, A replaced by G.
Protein change: p.Thr67Ala; replaces threonine 67 with alanine.
Molecular consequence: missense variant.
Genome position (GRCh38, 1-based): chr21:33,245,052, A>G. VCF-style: chr21-33245052-A-G. GRCh37 (hg19) VCF-style: chr21-34617357-A-G.
Other names: c.199A>G, p.Thr67Ala (NM_001414505.1, NM_000874.5, NM_001289126.2 and 5 more transcripts); short protein forms T67A.
Identifiers: ClinVar variation 1955105 (VCV001955105.3), dbSNP rs138445544, ClinGen allele CA10005579.

ClinVar aggregate classification (germline): Uncertain significance (1 of 4 stars; one submission).

Allele frequency attached by ClinVar (database versions not stated): ExAC 0.00001; gnomAD 0.00002; gnomAD exomes 0.00002; TOPMed 0.00002; ESP Exome Variant Server 0.00015.
gnomAD v4.1: 30 of 1,610,398 alleles (0.0019%); highest among the groups gnomAD compares: Non-Finnish European, 0.0023%; no homozygotes.

Submission:

Labcorp Genetics (formerly Invitae), Labcorp
Classification: Uncertain significance. Last evaluated: 2022-05-23. Review status: criteria provided, single submitter. Criteria: Invitae Variant Classification Sherloc (09022015). Collection method: clinical testing. Allele origin: germline.
Comment: This variant has not been reported in the literature in individuals affected with IFNAR2-related conditions. This variant is present in population databases (rs138445544, gnomAD 0.007%). This sequence change replaces threonine, which is neutral and polar, with alanine, which is neutral and non-polar, at codon 67 of the IFNAR2 protein (p.Thr67Ala). In summary, the available evidence is currently insufficient to determine the role of this variant in disease. Therefore, it has been classified as a Variant of Uncertain Significance. Algorithms developed to predict the effect of missense changes on protein structure and function output the following: SIFT: "Tolerated"; PolyPhen-2: "Benign"; Align-GVGD: "Class C0". The alanine amino acid residue is found in multiple mammalian species, which suggests that this missense change does not adversely affect protein function.